The following is an entry in ClinVar:

NM_001242.5(CD27):c.254G>A (p.Arg85Gln)

Genes: CD27 (CD27 molecule; plus strand), CD27-AS1 (CD27 antisense RNA 1; minus strand). Cytogenetic location: 12p13.31.
Variant type: single nucleotide variant.
Coding change: c.254G>A on transcript NM_001242.5 (MANE Select); coding-DNA position 254, G replaced by A.
Protein change: p.Arg85Gln; replaces arginine 85 with glutamine.
Molecular consequence: missense variant.
Genome position (GRCh38, 1-based): chr12:6,445,541, G>A. VCF-style: chr12-6445541-G-A. GRCh37 (hg19) VCF-style: chr12-6554707-G-A.
Other names: short protein forms R85Q.
Identifiers: ClinVar variation 666185 (VCV000666185.9), dbSNP rs1404955716, ClinGen allele CA383547204.

ClinVar aggregate classification (germline): Uncertain significance. Review status: criteria provided, multiple submitters, no conflicts (2 of 4 stars). 2 submissions from 2 submitters: Uncertain significance (2). Last evaluated 2025-10-29.

Conditions:
Inborn genetic diseases. Identifiers: MedGen C0950123, MeSH D030342.
Lymphoproliferative syndrome 2 (LPFS2). Also called: Combined immunodeficiency due to CD27 deficiency; CD27 DEFICIENCY. Identifiers: Orphanet 238505, MedGen C3554540, MONDO:0014054, OMIM 615122.

Allele frequency attached by ClinVar (database versions not stated): gnomAD exomes 0.00001; gnomAD 0.00002; TOPMed 0.00002.
gnomAD v4.1: 41 of 1,613,566 alleles (0.0025%); highest among the groups gnomAD compares: South Asian, 0.013%; 1 homozygote.

Submissions (2):

Ambry Genetics
Classification: Uncertain significance for Inborn genetic diseases. Last evaluated: 2025-10-29. Review status: criteria provided, single submitter. Criteria: Ambry Variant Classification Scheme 2023. Collection method: clinical testing. Allele origin: germline.

Labcorp Genetics (formerly Invitae), Labcorp
Classification: Uncertain significance for Lymphoproliferative syndrome 2. Last evaluated: 2025-08-12. Review status: criteria provided, single submitter. Criteria: Invitae Variant Classification Sherloc (09022015). Collection method: clinical testing. Allele origin: germline.
Comment: This sequence change replaces arginine, which is basic and polar, with glutamine, which is neutral and polar, at codon 85 of the CD27 protein (p.Arg85Gln). This variant is present in population databases (no rsID available, gnomAD 0.008%). This variant has not been reported in the literature in individuals affected with CD27-related conditions. ClinVar contains an entry for this variant (Variation ID: 666185). Invitae Evidence Modeling of protein sequence and biophysical properties (such as structural, functional, and spatial information, amino acid conservation, physicochemical variation, residue mobility, and thermodynamic stability) indicates that this missense variant is expected to disrupt CD27 protein function with a positive predictive value of 80%. In summary, the available evidence is currently insufficient to determine the role of this variant in disease. Therefore, it has been classified as a Variant of Uncertain Significance.